The following is an entry in ClinVar:

NM_024334.3(TMEM43):c.866G>A (p.Gly289Glu)

Gene: TMEM43 (transmembrane protein 43; plus strand). Cytogenetic location: 3p25.1.
Variant type: single nucleotide variant.
Coding change: c.866G>A on transcript NM_024334.3 (MANE Select); coding-DNA position 866, G replaced by A.
Protein change: p.Gly289Glu; replaces glycine 289 with glutamic acid.
Molecular consequence: missense variant.
Genome position (GRCh38, 1-based): chr3:14,135,892, G>A. VCF-style: chr3-14135892-G-A. GRCh37 (hg19) VCF-style: chr3-14177392-G-A.
Other names: c.869G>A, p.Gly290Glu (NM_001407274.1); c.863G>A, p.Gly288Glu (NM_001407275.1, NM_001407277.1); c.866G>A, p.Gly289Glu (NM_001407276.1); c.851G>A, p.Gly284Glu (NM_001407278.1); c.791G>A, p.Gly264Glu (NM_001407279.1); c.716G>A, p.Gly239Glu (NM_001407280.1); short protein forms G239E, G284E, G288E, G289E, G290E, G264E.
Identifiers: ClinVar variation 2966147 (VCV002966147.3), dbSNP rs2470191335, ClinGen allele CA351536025.
Genomic context (GRCh38, chr3:14,135,892, plus strand): 5'-GTGACCAGCTAGTCCCATTCTCCACCAAGTCTGGGGATACCTTACTGCTCCTGCACCACG[G>A]GGACTTCTCAGCAGAGGTGAGTGCTGTGCCCTACTCGTACGGTGGAGGAACAAGCATGTC-3'
Protein context (NP_077310.1, residues 279-299): SGDTLLLLHH[Gly289Glu]DFSAEEVFHR

ClinVar aggregate classification (germline): Uncertain significance (1 of 4 stars; one submission).

Conditions:
Arrhythmogenic right ventricular dysplasia 5. Also called: Arrhythmogenic Right Ventricular Dysplasia/Cardiomyopathy 5; ARRHYTHMOGENIC RIGHT VENTRICULAR DYSPLASIA, FAMILIAL, 5. Identifiers: MedGen C1858379, MONDO:0011459, OMIM 604400.

Submission:

Labcorp Genetics (formerly Invitae), Labcorp
Classification: Uncertain significance for Arrhythmogenic right ventricular dysplasia 5. Last evaluated: 2025-01-14. Review status: criteria provided, single submitter. Criteria: Invitae Variant Classification Sherloc (09022015). Collection method: clinical testing. Allele origin: germline.
Comment: This sequence change replaces glycine, which is neutral and non-polar, with glutamic acid, which is acidic and polar, at codon 289 of the TMEM43 protein (p.Gly289Glu). This variant is not present in population databases (gnomAD no frequency). This variant has not been reported in the literature in individuals affected with TMEM43-related conditions. ClinVar contains an entry for this variant (Variation ID: 2966147). Invitae Evidence Modeling of protein sequence and biophysical properties (such as structural, functional, and spatial information, amino acid conservation, physicochemical variation, residue mobility, and thermodynamic stability) indicates that this missense variant is not expected to disrupt TMEM43 protein function with a negative predictive value of 80%. In summary, the available evidence is currently insufficient to determine the role of this variant in disease. Therefore, it has been classified as a Variant of Uncertain Significance.